The following is an entry in ClinVar:

NM_000016.6(ACADM):c.261G>A (p.Met87Ile)

Gene: ACADM (acyl-CoA dehydrogenase medium chain; plus strand). Cytogenetic location: 1p31.1.
Variant type: single nucleotide variant.
Coding change: c.261G>A on transcript NM_000016.6 (MANE Select); coding-DNA position 261, G replaced by A.
Protein change: p.Met87Ile; replaces methionine 87 with isoleucine.
Molecular consequence: missense variant. On other transcripts: 5 prime UTR variant (1).
Genome position (GRCh38, 1-based): chr1:75,732,897, G>A. VCF-style: chr1-75732897-G-A. GRCh37 (hg19) VCF-style: chr1-76198582-G-A.
Other names: c.273G>A, p.Met91Ile (NM_001127328.3); c.153G>A, p.Met51Ile (NM_001286042.2); c.261G>A, p.Met87Ile (NM_001286043.2); c.-125G>A (NM_001286044.2); short protein forms M87I, M51I, M91I.
Identifiers: ClinVar variation 387616 (VCV000387616.1), dbSNP rs1057522841, ClinGen allele CA16603755.

ClinVar aggregate classification (germline): Likely benign (1 of 4 stars; one submission).

Allele frequency attached by ClinVar (database versions not stated): gnomAD exomes below 0.00001.
gnomAD v4.1: 1 of 1,613,976 alleles (0.000062%); highest among the groups gnomAD compares: Non-Finnish European, 0.000085%; no homozygotes.

Submission:

GeneDx
Classification: Likely benign. Last evaluated: 2016-07-11. Review status: criteria provided, single submitter. Criteria: GeneDx Variant Classification (06012015). Collection method: clinical testing. Allele origin: germline. Affected: yes.
Comment: This variant is considered likely benign or benign based on one or more of the following criteria: it is a conservative change, it occurs at a poorly conserved position in the protein, it is predicted to be benign by multiple in silico algorithms, and/or has population frequency not consistent with disease.